The following is an entry in ClinVar:

NM_005334.3(HCFC1):c.979G>T (p.Ala327Ser)

Gene: HCFC1 (host cell factor C1; minus strand). Cytogenetic location: Xq28.
Variant type: single nucleotide variant.
Coding change: c.979G>T on transcript NM_005334.3 (MANE Select); coding-DNA position 979, G replaced by T.
Protein change: p.Ala327Ser; replaces alanine 327 with serine.
Molecular consequence: missense variant.
Genome position (GRCh38, 1-based): chrX:153,960,340, C>A on the plus strand (G>T on the coding strand, the complement: HCFC1 is on the minus strand). VCF-style: chrX-153960340-C-A. GRCh37 (hg19) VCF-style: chrX-153225791-C-A.
Other names: short protein forms A327S.
Identifiers: ClinVar variation 1313697 (VCV001313697.3), dbSNP rs782659828, ClinGen allele CA415144837.

ClinVar aggregate classification (germline): Uncertain significance (1 of 4 stars; one submission).

Allele frequency attached by ClinVar (database versions not stated): TOPMed below 0.00001; gnomAD 0.00001.
gnomAD v4.1: 1 of 1,203,146 alleles (0.000083%); highest among the groups gnomAD compares: African/African-American, 0.0018%; no homozygotes.

Submission:

GeneDx
Classification: Uncertain significance. Last evaluated: 2025-07-14. Review status: criteria provided, single submitter. Criteria: GeneDx Variant Classification Process June 2021. Collection method: clinical testing. Allele origin: germline. Affected: yes.
Comment: In silico analysis suggests that this missense variant does not alter protein structure/function; Has not been previously published as pathogenic or benign to our knowledge; Not observed at significant frequency in large population cohorts (gnomAD)